The following is an entry in ClinVar:

NM_000404.4(GLB1):c.971A>C (p.Tyr324Ser)

Gene: GLB1 (galactosidase beta 1; minus strand). Cytogenetic location: 3p22.3.
Variant type: single nucleotide variant.
Coding change: c.971A>C on transcript NM_000404.4 (MANE Select); coding-DNA position 971, A replaced by C.
Protein change: p.Tyr324Ser; replaces tyrosine 324 with serine.
Molecular consequence: missense variant.
Genome position (GRCh38, 1-based): chr3:33,046,217, T>G on the plus strand (A>C on the coding strand, the complement: GLB1 is on the minus strand). VCF-style: chr3-33046217-T-G. GRCh37 (hg19) VCF-style: chr3-33087709-T-G.
Other names: c.881A>C, p.Tyr294Ser (NM_001079811.3); c.578A>C, p.Tyr193Ser (NM_001135602.3); c.1115A>C, p.Tyr372Ser (NM_001317040.2); c.971A>C, p.Tyr324Ser (NM_001393580.1); short protein forms Y294S, Y324S, Y372S, Y193S.
Identifiers: ClinVar variation 2951339 (VCV002951339.3), dbSNP rs977975596, ClinGen allele CA351999476.

ClinVar aggregate classification (germline): Likely pathogenic (1 of 4 stars; one submission).

Conditions:
Mucopolysaccharidosis, MPS-IV-B (MPS4B). Also called: Mucopolysaccharidosis type 4B; Mucopolysaccharidosis type IVB (Morquio); MPS IVB; MORQUIO SYNDROME B; Mucopolysaccharidosis type IV B; Mucopolysaccharidosis Type IVB. Identifiers: Orphanet 309310, Orphanet 582, MedGen C0086652, MONDO:0009660, OMIM 253010.
GM1 gangliosidosis. Identifiers: Orphanet 354, MedGen C0085131, MONDO:0018149.

Submission:

Labcorp Genetics (formerly Invitae), Labcorp
Classification: Likely pathogenic for Mucopolysaccharidosis, MPS-IV-B; GM1 gangliosidosis. Last evaluated: 2023-08-29. Review status: criteria provided, single submitter. Criteria: Invitae Variant Classification Sherloc (09022015). Collection method: clinical testing. Allele origin: germline.
Comment: In summary, the currently available evidence indicates that the variant is pathogenic, but additional data are needed to prove that conclusively. Therefore, this variant has been classified as Likely Pathogenic. This variant disrupts the p.Tyr324 amino acid residue in GLB1. Other variant(s) that disrupt this residue have been determined to be pathogenic (PMID: 23337983; Invitae). This suggests that this residue is clinically significant, and that variants that disrupt this residue are likely to be disease-causing. Advanced modeling of protein sequence and biophysical properties (such as structural, functional, and spatial information, amino acid conservation, physicochemical variation, residue mobility, and thermodynamic stability) performed at Invitae indicates that this missense variant is expected to disrupt GLB1 protein function. This variant has not been reported in the literature in individuals affected with GLB1-related conditions. This variant is not present in population databases (gnomAD no frequency). This sequence change replaces tyrosine, which is neutral and polar, with serine, which is neutral and polar, at codon 324 of the GLB1 protein (p.Tyr324Ser).

Literature cited by the submitters: PubMed 23337983.